The following is an entry in ClinVar:

NM_006642.5(SDCCAG8):c.237T>A (p.Asp79Glu)

Gene: SDCCAG8 (SHH signaling and ciliogenesis regulator SDCCAG8; plus strand). Cytogenetic location: 1q43.
Variant type: single nucleotide variant.
Coding change: c.237T>A on transcript NM_006642.5 (MANE Select); coding-DNA position 237, T replaced by A.
Protein change: p.Asp79Glu; replaces aspartic acid 79 with glutamic acid.
Molecular consequence: missense variant. On other transcripts: 5 prime UTR variant (4).
Genome position (GRCh38, 1-based): chr1:243,270,994, T>A. VCF-style: chr1-243270994-T-A. GRCh37 (hg19) VCF-style: chr1-243434296-T-A.
Other names: c.-876T>A (NM_001350246.2); c.-764T>A (NM_001350247.2); c.237T>A, p.Asp79Glu (NM_001350248.2); c.-58T>A (NM_001350249.2); c.-1137T>A (NM_001350251.2); short protein forms D79E.
Identifiers: ClinVar variation 296904 (VCV000296904.25), dbSNP rs146474568, ClinGen allele CA1483244.

ClinVar aggregate classification (germline): Conflicting classifications of pathogenicity. Review status: criteria provided, conflicting classifications (1 of 4 stars). 7 submissions from 6 submitters: Uncertain significance (5); Likely benign (2). Last evaluated 2026-03-02.

Conditions:
Senior-Loken syndrome 7 (SLSN7). Identifiers: Orphanet 3156, MedGen C3150877, MONDO:0013326, OMIM 613615.
SDCCAG8-related disorder. Also called: SDCCAG8-Related Disorders; SDCCAG8-related condition.
Bardet-Biedl syndrome 16 (BBS16). Identifiers: Orphanet 110, MedGen C3889474, MONDO:0014444, OMIM 615993.

Allele frequency attached by ClinVar (database versions not stated): 1000 Genomes Project 0.00020; 1000 Genomes Project 30x 0.00031; ESP Exome Variant Server 0.00031; ExAC 0.00033; gnomAD exomes 0.00037 and 0.00078; TOPMed 0.00037; gnomAD 0.00038 and 0.00041.
gnomAD v4.1: 1,212 of 1,613,358 alleles (0.075%); highest among the groups gnomAD compares: Non-Finnish European, 0.09%; no homozygotes.

Submissions (7):

PreventionGenetics, part of Exact Sciences
Classification: Uncertain significance for SDCCAG8-related condition. Last evaluated: 2026-03-02. Review status: criteria provided, single submitter. Criteria: ACMG Guidelines, 2015. Collection method: clinical testing. Allele origin: germline.
Comment: The SDCCAG8 c.237T>A variant is predicted to result in the amino acid substitution p.Asp79Glu. This variant was reported in an individual with nephronophthisis-associated ciliopathies; however, a second SDCCAG8 variant was not identified (supplementary Table 5, Halbritter et al. 2012. PubMed ID: 23188109). Additionally, this variant was identified as a variant of uncertain significance in a large cohort of individuals with retinal disorders (Dineiro et al. 2020. PubMed ID: 32483926). This variant was also described in a large cohort of individuals with Bardet-Biedl syndrome; however, this individual harbored a homozygous BBS9 deletion (supplementary data, Nasser et al. 2022. PubMed ID: 35886001). This variant is reported in 0.072% of alleles in individuals of South Asian descent in gnomAD, which is likely too common to be a primary cause of disease. Although we suspect this variant may be benign, at this time, the clinical significance of this variant is uncertain due to the absence of conclusive functional and genetic evidence.

CeGaT Center for Human Genetics Tuebingen
Classification: Likely benign. Last evaluated: 2025-06-01. Review status: criteria provided, single submitter. Criteria: CeGaT Center For Human Genetics Tuebingen Variant Classification Criteria Version 2. Collection method: clinical testing. Allele origin: germline. Affected: yes. Observed: 1 variant allele.
Comment: SDCCAG8: BP4

Blueprint Genetics
Classification: Likely benign. Last evaluated: 2024-11-20. Review status: criteria provided, single submitter. Criteria: ACMG Guidelines, 2015. Collection method: clinical testing. Allele origin: germline.

Fulgent Genetics
Classification: Uncertain significance for Senior-Loken syndrome 7; Bardet-Biedl syndrome 16. Last evaluated: 2024-02-05. Review status: criteria provided, single submitter. Criteria: ACMG Guidelines, 2015. Collection method: clinical testing. Allele origin: germline.

Labcorp Genetics (formerly Invitae), Labcorp
Classification: Uncertain significance for Bardet-Biedl syndrome 16; Senior-Loken syndrome 7. Last evaluated: 2023-11-27. Review status: criteria provided, single submitter. Criteria: Invitae Variant Classification Sherloc (09022015). Collection method: clinical testing. Allele origin: germline.
Comment: This sequence change replaces aspartic acid, which is acidic and polar, with glutamic acid, which is acidic and polar, at codon 79 of the SDCCAG8 protein (p.Asp79Glu). This variant is present in population databases (rs146474568, gnomAD 0.07%). This missense change has been observed in individual(s) with a nephronophthisis-associated ciliopathy and/or inherited retinal disorder (PMID: 23188109, 32483926). ClinVar contains an entry for this variant (Variation ID: 296904). Advanced modeling of protein sequence and biophysical properties (such as structural, functional, and spatial information, amino acid conservation, physicochemical variation, residue mobility, and thermodynamic stability) performed at Invitae indicates that this missense variant is not expected to disrupt SDCCAG8 protein function with a negative predictive value of 80%. In summary, the available evidence is currently insufficient to determine the role of this variant in disease. Therefore, it has been classified as a Variant of Uncertain Significance.

Illumina Laboratory Services, Illumina
Classification: Uncertain significance for Senior-Loken syndrome 7. Last evaluated: 2018-01-12. Review status: criteria provided, single submitter. Criteria: ICSL Variant Classification Criteria 13 December 2019. Collection method: clinical testing. Allele origin: germline.

Illumina Laboratory Services, Illumina
Classification: Uncertain significance for Bardet-Biedl syndrome 16. Last evaluated: 2018-01-12. Review status: criteria provided, single submitter. Criteria: ICSL Variant Classification Criteria 13 December 2019. Collection method: clinical testing. Allele origin: germline.

Literature cited by the submitters: PubMed 23188109 (cited by Labcorp Genetics (formerly Invitae), Labcorp); PubMed 32483926 (cited by Labcorp Genetics (formerly Invitae), Labcorp).